The following is an entry in ClinVar:

NM_000760.4(CSF3R):c.2334G>A (p.Ala778=)

Gene: CSF3R (colony stimulating factor 3 receptor; minus strand). Cytogenetic location: 1p34.3.
Variant type: single nucleotide variant.
Coding change: c.2334G>A on transcript NM_000760.4 (MANE Select); coding-DNA position 2334, G replaced by A.
Protein change: p.Ala778=; no amino-acid change (alanine 778 retained).
Molecular consequence: synonymous variant. On other transcripts: intron variant (1).
Genome position (GRCh38, 1-based): chr1:36,466,534, C>T on the plus strand (G>A on the coding strand, the complement: CSF3R is on the minus strand). VCF-style: chr1-36466534-C-T. GRCh37 (hg19) VCF-style: chr1-36932135-C-T.
Other names: p.Ala778=; c.2415G>A, p.Ala805= (NM_156039.3); c.2247+87G>A (NM_172313.3).
Identifiers: ClinVar variation 729983 (VCV000729983.17), dbSNP rs116118817, ClinGen allele CA768907.
Genomic context (GRCh38, chr1:36,466,534, plus strand): 5'-CCCCAAGGGGCTGGCCTGGAACCAGAGGTTCTCATAGGACTTGGGGCTGGGGGTGAGGCC[C>T]GCCAAGAGGGGCTGAGTGGAGTCACAGCGGAGATAGTGCCCTGGCCCTGGGCTTGTGGGG-3'
Protein context (NP_000751.1, residues 768-788): LRCDSTQPLL[Ala778=]GLTPSPKSYE

ClinVar aggregate classification (germline): Conflicting classifications of pathogenicity. Review status: criteria provided, conflicting classifications (1 of 4 stars). 5 submissions from 5 submitters: Uncertain significance (1); Benign (2); Likely benign (2). Last evaluated 2026-01-19.

Conditions:
CSF3R-related disorder. Also called: CSF3R-related condition.
Autosomal recessive severe congenital neutropenia due to CSF3R deficiency. Also called: Neutropenia, severe congenital, 7, autosomal recessive. Identifiers: Orphanet 420702, MedGen C4310764, MONDO:0014865, OMIM 617014.

Allele frequency attached by ClinVar (database versions not stated): gnomAD exomes 0.00024 and 0.00040; ExAC 0.00061; 1000 Genomes Project 0.00100; gnomAD 0.00139 and 0.00154; TOPMed 0.00154; 1000 Genomes Project 30x 0.00156; ESP Exome Variant Server 0.00161.
gnomAD v4.1: 564 of 1,609,238 alleles (0.035%); highest among the groups gnomAD compares: African/African-American, 0.5%; 1 homozygote.

Submissions (5):

Labcorp Genetics (formerly Invitae), Labcorp
Classification: Benign for Autosomal recessive severe congenital neutropenia due to CSF3R deficiency. Last evaluated: 2026-01-19. Review status: criteria provided, single submitter. Criteria: Invitae Variant Classification Sherloc (09022015). Collection method: clinical testing. Allele origin: germline.

PreventionGenetics, part of Exact Sciences
Classification: Benign for CSF3R-related condition. Last evaluated: 2025-07-23. Review status: criteria provided, single submitter. Criteria: ACMG Guidelines, 2015. Collection method: clinical testing. Allele origin: germline.
Comment: This variant is classified as benign based on ACMG/AMP sequence variant interpretation guidelines (Richards et al. 2015 PMID: 25741868, with internal and published modifications).

Mayo Clinic Laboratories, Mayo Clinic
Classification: Likely benign. Last evaluated: 2025-02-11. Review status: criteria provided, single submitter. Criteria: ACMG Guidelines, 2015. Collection method: clinical testing. Allele origin: germline. Observed: 3 variant alleles.
Comment: BS1, BP4_moderate

Blueprint Genetics
Classification: Likely benign. Last evaluated: 2024-09-30. Review status: criteria provided, single submitter. Criteria: ACMG Guidelines, 2015. Collection method: clinical testing. Allele origin: germline.

Genetic Services Laboratory, University of Chicago
Classification: Uncertain significance. Last evaluated: 2018-08-14. Review status: criteria provided, single submitter. Criteria: ACMG Guidelines, 2015. Collection method: clinical testing. Allele origin: germline. Affected: no.